The following is an entry in ClinVar:

NM_020937.4(FANCM):c.3098A>G (p.Lys1033Arg)

Gene: FANCM (FA complementation group M; plus strand). Cytogenetic location: 14q21.2.
Variant type: single nucleotide variant.
Coding change: c.3098A>G on transcript NM_020937.4 (MANE Select); coding-DNA position 3098, A replaced by G.
Protein change: p.Lys1033Arg; replaces lysine 1033 with arginine.
Molecular consequence: missense variant.
Genome position (GRCh38, 1-based): chr14:45,175,852, A>G. VCF-style: chr14-45175852-A-G. GRCh37 (hg19) VCF-style: chr14-45645055-A-G.
Other names: c.3020A>G, p.Lys1007Arg (NM_001308133.2); short protein forms K1007R, K1033R.
Identifiers: ClinVar variation 5036579 (VCV005036579.1).
Genomic context (GRCh38, chr14:45,175,852, plus strand): 5'-AGGGTACTGCACTTGAGAATTTGCTTTTCTTACCCTGTGCAGAGCATTTACGAAGTGATA[A>G]ATGCACCTGTTTGCTGTCACATTCAGCTGTGAATTCTCAACAGAATTTAGAATTGAATTC-3'
Protein context (NP_065988.1, residues 1023-1043): LPCAEHLRSD[Lys1033Arg]CTCLLSHSAV

ClinVar aggregate classification (germline): Uncertain significance (1 of 4 stars; one submission).

Conditions:
Inborn genetic diseases. Identifiers: MedGen C0950123, MeSH D030342.

Submission:

Ambry Genetics
Classification: Uncertain significance for Inborn genetic diseases. Last evaluated: 2026-06-26. Review status: criteria provided, single submitter. Criteria: Ambry Variant Classification Scheme 2023. Collection method: clinical testing. Allele origin: germline.
Comment: The p.K1033R variant (also known as c.3098A>G), located in coding exon 14 of the FANCM gene, results from an A to G substitution at nucleotide position 3098. The lysine at codon 1033 is replaced by arginine, an amino acid with highly similar properties. This amino acid position is conserved. In addition, this alteration is predicted to be tolerated by in silico analysis. Based on the available evidence, the clinical significance of this variant remains unclear.